The following is an entry in ClinVar:

NM_020831.6(MRTFA):c.2209G>A (p.Ala737Thr)

Gene: MRTFA (myocardin related transcription factor A; minus strand). Cytogenetic location: 22q13.1.
Variant type: single nucleotide variant.
Coding change: c.2209G>A on transcript NM_020831.6 (MANE Select); coding-DNA position 2209, G replaced by A.
Protein change: p.Ala737Thr; replaces alanine 737 with threonine.
Molecular consequence: missense variant.
Genome position (GRCh38, 1-based): chr22:40,418,529, C>T on the plus strand (G>A on the coding strand, the complement: MRTFA is on the minus strand). VCF-style: chr22-40418529-C-T. GRCh37 (hg19) VCF-style: chr22-40814533-C-T.
Other names: c.1909G>A, p.Ala637Thr (NM_001282660.2); c.2059G>A, p.Ala687Thr (NM_001282661.3); c.2209G>A, p.Ala737Thr (NM_001282662.3); c.2014G>A, p.Ala672Thr (NM_001318139.2); c.1909G>A (NM_020831.3); short protein forms A637T, A672T, A687T, A737T.
Identifiers: ClinVar variation 1682982 (VCV001682982.8), dbSNP rs200254736, ClinGen allele CA10249420.

ClinVar aggregate classification (germline): Conflicting classifications of pathogenicity. Review status: criteria provided, conflicting classifications (1 of 4 stars). 4 submissions from 4 submitters: Uncertain significance (3); Likely benign (1). Last evaluated 2025-12-31.

Allele frequency attached by ClinVar (database versions not stated): ExAC 0.00028; ESP Exome Variant Server 0.00039; gnomAD 0.00042 and 0.00044; 1000 Genomes Project 30x 0.00078; 1000 Genomes Project 0.00100.
gnomAD v4.1: 467 of 1,586,904 alleles (0.029%); highest among the groups gnomAD compares: Middle Eastern, 0.14%; 1 homozygote.

Submissions (4):

Labcorp Genetics (formerly Invitae), Labcorp
Classification: Uncertain significance. Last evaluated: 2025-12-31. Review status: criteria provided, single submitter. Criteria: Invitae Variant Classification Sherloc (09022015). Collection method: clinical testing. Allele origin: germline.
Comment: This sequence change replaces alanine, which is neutral and non-polar, with threonine, which is neutral and polar, at codon 637 of the MKL1 protein (p.Ala637Thr). This variant is present in population databases (rs200254736, gnomAD 0.06%), and has an allele count higher than expected for a pathogenic variant. This variant has not been reported in the literature in individuals affected with MKL1-related conditions. ClinVar contains an entry for this variant (Variation ID: 1682982). An algorithm developed to predict the effect of missense changes on protein structure and function outputs the following: PolyPhen-2: "Benign". The threonine amino acid residue is found in multiple mammalian species, which suggests that this missense change does not adversely affect protein function. In summary, the available evidence is currently insufficient to determine the role of this variant in disease. Therefore, it has been classified as a Variant of Uncertain Significance.

Ambry Genetics
Classification: Uncertain significance. Last evaluated: 2025-08-03. Review status: criteria provided, single submitter. Criteria: Ambry Variant Classification Scheme 2023. Collection method: clinical testing. Allele origin: germline.

Blueprint Genetics
Classification: Likely benign. Last evaluated: 2024-10-21. Review status: criteria provided, single submitter. Criteria: ACMG Guidelines, 2015. Collection method: clinical testing. Allele origin: germline.

Breakthrough Genomics
Classification: Uncertain significance. Review status: criteria provided, single submitter. Criteria: ACMG Guidelines, 2015. Collection method: not provided. Allele origin: germline. Inheritance: Autosomal dominant inheritance. Affected: yes.